The following is an entry in ClinVar:

ClinVar aggregate classification (germline): Uncertain significance (1 of 4 stars; one submission).

Submission:

Ambry Genetics
Classification: Uncertain significance. Last evaluated: 2024-08-21. Review status: criteria provided, single submitter. Criteria: Ambry Variant Classification Scheme 2023. Collection method: clinical testing. Allele origin: germline.
Comment: The p.H612L variant (also known as c.1835A>T), located in coding exon 16 of the BUB1 gene, results from an A to T substitution at nucleotide position 1835. The histidine at codon 612 is replaced by leucine, an amino acid with similar properties. This amino acid position is conserved. In addition, this alteration is predicted to be tolerated by in silico analysis. Based on the available evidence, the clinical significance of this variant remains unclear.

NM_004336.5(BUB1):c.1835A>T (p.His612Leu)

Gene: BUB1 (BUB1 mitotic checkpoint serine/threonine kinase; minus strand). Cytogenetic location: 2q13.
Variant type: single nucleotide variant.
Coding change: c.1835A>T on transcript NM_004336.5 (MANE Select); coding-DNA position 1835, A replaced by T.
Protein change: p.His612Leu; replaces histidine 612 with leucine.
Molecular consequence: missense variant.
Genome position (GRCh38, 1-based): chr2:110,655,780, T>A on the plus strand (A>T on the coding strand, the complement: BUB1 is on the minus strand). VCF-style: chr2-110655780-T-A. GRCh37 (hg19) VCF-style: chr2-111413357-T-A.
Other names: c.1775A>T, p.His592Leu (NM_001278616.2); c.1835A>T, p.His612Leu (NM_001278617.2); short protein forms H592L, H612L.
Identifiers: ClinVar variation 3482978 (VCV003482978.1).